The following is an entry in ClinVar:

ClinVar aggregate classification (germline): Uncertain significance (1 of 4 stars; one submission).

gnomAD v4.1: 1 of 1,614,038 alleles (0.000062%); highest among the groups gnomAD compares: Non-Finnish European, 0.000085%; no homozygotes.

Submission:

Ambry Genetics
Classification: Uncertain significance. Last evaluated: 2025-03-26. Review status: criteria provided, single submitter. Criteria: Ambry Variant Classification Scheme 2023. Collection method: clinical testing. Allele origin: germline.
Comment: The p.P998A variant (also known as c.2992C>G), located in coding exon 1 of the TET2 gene, results from a C to G substitution at nucleotide position 2992. The proline at codon 998 is replaced by alanine, an amino acid with highly similar properties. This amino acid position is conserved. In addition, this alteration is predicted to be tolerated by in silico analysis. Based on the available evidence, the clinical significance of this variant remains unclear.

NM_001127208.3(TET2):c.2992C>G (p.Pro998Ala)

Genes: TET2 (tet methylcytosine dioxygenase 2; plus strand), TET2-AS1 (TET2 antisense RNA 1; minus strand). Cytogenetic location: 4q24.
Variant type: single nucleotide variant.
Coding change: c.2992C>G on transcript NM_001127208.3 (MANE Select); coding-DNA position 2992, C replaced by G.
Protein change: p.Pro998Ala; replaces proline 998 with alanine.
Molecular consequence: missense variant.
Genome position (GRCh38, 1-based): chr4:105,236,934, C>G. VCF-style: chr4-105236934-C-G. GRCh37 (hg19) VCF-style: chr4-106158091-C-G.
Other names: c.2992C>G, p.Pro998Ala (NM_017628.4); short protein forms P998A.
Identifiers: ClinVar variation 3967489 (VCV003967489.1).
Genomic context (GRCh38, chr4:105,236,934, plus strand): 5'-CACAGGCCAATTAAGGTGGAACCTGGATGCAAGCCACATGCCTGTATGCACACAGCACCA[C>G]CAGAAAACAAAACATGGAAAAAGGTAACTAAGCAAGAGAATCCACCTGCAAGCTGTGATA-3'
Protein context (NP_001120680.1, residues 988-1008): KPHACMHTAP[Pro998Ala]ENKTWKKVTK